The following is an entry in ClinVar:

ClinVar aggregate classification (germline): Pathogenic. Review status: criteria provided, multiple submitters, no conflicts (2 of 4 stars). 2 submissions from 2 submitters: Pathogenic (2). Last evaluated 2026-09-08.

Conditions:
Fabry disease. Also called: ALPHA-GALACTOSIDASE A DEFICIENCY; ANDERSON-FABRY DISEASE; CERAMIDE TRIHEXOSIDASE DEFICIENCY; GLA DEFICIENCY; HEREDITARY DYSTOPIC LIPIDOSIS; Angiokeratoma corporis diffusum. Identifiers: Orphanet 324, MedGen C0002986, MONDO:0010526, OMIM 301500, HP:0001071. Disease mechanism: Fabry disease is due to inactivating mutations in the X-linked GLA gene resulting in deficiency of the enzyme Alpha Galactosidase-A., loss of function.

Submissions (2):

Genomenon, Inc
Classification: Pathogenic for Fabry disease. Last evaluated: 2026-09-08. Review status: criteria provided, single submitter. Criteria: Genomenon Sequence Variant Interpretation Standards - Updated. Collection method: curation. Allele origin: germline. Affected: yes.
Comment: GLA p.Gly144AlafsTer21 (c.431del) is a frameshift variant that is predicted to introduce a premature termination codon and result in a truncated or absent protein product. This variant has been observed in at least one proband with clinical features consistent with Fabry disease (PMID:38892211;29631605). Functional or patient cell studies have been reported (PMID:29631605). It is absent or not present at a significant frequency in gnomAD. In conclusion, we classify GLA p.Gly144AlafsTer21 (c.431del) as a pathogenic variant.

Serv. Biochemistry and Molecular genetics, Hospital Clinic de Barcelona, Hospital Clínic de Barcelona
Classification: Pathogenic for Fabry disease. Last evaluated: 2026-05-21. Review status: criteria provided, single submitter. Criteria: ACMG Guidelines, 2015. Collection method: clinical testing. Allele origin: germline. Inheritance: X-linked inheritance. Affected: yes. Observed: 3 variant alleles. Clinical features observed: Neuropathic pain (HP:6000040).
Comment: Classification reported in the manuscript using ACMG criteria/in silico tools: Pathogenic. Variant type: Deletion; amino acid change: p.Gly144AlafsX21. Criteria: PVS1, PM2, PS4,

Literature cited by the submitters: PubMed 38892211 (cited by Genomenon, Inc); PubMed 29631605 (cited by Genomenon, Inc).

NM_000169.3(GLA):c.431del (p.Gly144fs)

Genes: GLA (galactosidase alpha; minus strand), RPL36A-HNRNPH2 (RPL36A-HNRNPH2 readthrough; plus strand). Cytogenetic location: Xq22.1.
Variant type: Deletion.
Coding change: c.431del on transcript NM_000169.3 (MANE Select); coding-DNA position 431, one base deleted (G; older notation c.431delG).
Protein change: p.Gly144fs; shifts the reading frame from glycine 144.
Molecular consequence: frameshift variant. On other transcripts: non-coding transcript variant (3), intron variant (2).
Genome position (GRCh38, 1-based): chrX:101,401,748, C deleted on the plus strand (G on the coding strand, the reverse complement: GLA is on the minus strand); the first of 2 consecutive C bases (chrX:101,401,748-101,401,749); deleting either gives the same sequence. VCF-style (leftmost placement, unchanged base first): chrX-101401747-GC-G. GRCh37 (hg19) VCF-style: chrX-100656735-GC-G.
Other names: c.554del, p.Gly185fs (NM_001406747.1, NM_001406749.1); c.431del, p.Gly144fs (NM_001406748.1); c.300+6292del (NM_001199973.2); c.177+9927del (NM_001199974.2); short protein forms G144fs, G185fs.
Identifiers: ClinVar variation 4086960 (VCV004086960.3).